The following is an entry in ClinVar:

NM_001372123.1(IKZF5):c.-280C>T

Genes: ACADSB (acyl-CoA dehydrogenase short/branched chain; plus strand), IKZF5 (IKAROS family zinc finger 5; minus strand), LOC130004876 (ATAC-STARR-seq lymphoblastoid active region 4145; plus strand). Cytogenetic location: 10q26.13.
Variant type: single nucleotide variant.
Coding change: c.-280C>T on transcript NM_001372123.1 (MANE Select); 280 bases upstream of the start codon, C replaced by T.
Molecular consequence: 5 prime UTR variant.
Genome position (GRCh38, 1-based): chr10:123,008,776, G>A on the plus strand (C>T on the coding strand, the complement: IKZF5 is on the minus strand). VCF-style: chr10-123008776-G-A. GRCh37 (hg19) VCF-style: chr10-124768292-G-A.
Other names: c.-480C>T (NM_001372124.1); c.-267C>T (NM_001372125.1); c.-129C>T (NM_001372126.1); c.-388C>T (NM_001372127.1); c.-241C>T (NM_001372128.1); c.-955C>T (NM_001372129.1); c.-1063C>T (NM_001372130.1); c.-942C>T (NM_001372131.1).
Identifiers: ClinVar variation 1166420 (VCV001166420.12), dbSNP rs2277250, ClinGen allele CA13172264.

ClinVar aggregate classification (germline): Benign. Review status: criteria provided, multiple submitters, no conflicts (2 of 4 stars). 3 submissions from 3 submitters: Benign (3). Last evaluated 2026-01-19.

Conditions:
Deficiency of 2-methylbutyryl-CoA dehydrogenase (ACADSB). Also called: 2-methylbutyrylglycinuria; 2-methylbutyryl-CoA dehydrogenase deficiency; SBCAD deficiency; 2-methylbutyric aciduria; Short branched-chain acyl-CoA dehydrogenase deficiency. Identifiers: Orphanet 79157, MedGen C1864912, MONDO:0012392, OMIM 610006, HP:0020147.

Allele frequency attached by ClinVar (database versions not stated): gnomAD 0.58335 and 0.59177; 1000 Genomes Project 30x 0.44878; 1000 Genomes Project 0.44469; TOPMed 0.56881; gnomAD exomes 0.61503.
gnomAD v4.1: 368,881 of 607,124 alleles (61%); highest among the groups gnomAD compares: Non-Finnish European, 69%; 117,738 homozygotes.

Submissions (12):

Labcorp Genetics (formerly Invitae), Labcorp
Classification: Benign for Deficiency of 2-methylbutyryl-CoA dehydrogenase. Last evaluated: 2026-01-19. Review status: criteria provided, single submitter. Criteria: Invitae Variant Classification Sherloc (09022015). Collection method: clinical testing. Allele origin: germline.

GeneDx
Classification: Benign. Last evaluated: 2018-07-09. Review status: criteria provided, single submitter. Criteria: GeneDx Variant Classification Process June 2021. Collection method: clinical testing. Allele origin: germline. Affected: yes.
Comment: This variant is associated with the following publications: (PMID: 17143180)

Breakthrough Genomics
Classification: Benign. Review status: criteria provided, single submitter. Criteria: ACMG Guidelines, 2015. Collection method: not provided. Allele origin: germline. Inheritance: Autosomal dominant inheritance. Affected: yes.

Dr. Peter K. Rogan Lab, Western University
No classification provided (evidence only). Condition: Lung cancer. Review status: no classification provided. Collection method: in vitro. Allele origin: not applicable. Functional consequence: retained intron. Not counted in ClinVar's aggregate classification.

Dr. Peter K. Rogan Lab, Western University
No classification provided (evidence only). Condition: Lung cancer. Review status: no classification provided. Collection method: in vitro. Allele origin: not applicable. Functional consequence: retained intron. Not counted in ClinVar's aggregate classification.

Dr. Peter K. Rogan Lab, Western University
No classification provided (evidence only). Condition: Lung cancer. Review status: no classification provided. Collection method: in vitro. Allele origin: not applicable. Functional consequence: retained intron. Not counted in ClinVar's aggregate classification.

Dr. Peter K. Rogan Lab, Western University
No classification provided (evidence only). Condition: Familial prostate cancer. Review status: no classification provided. Collection method: in vitro. Allele origin: not applicable. Functional consequence: retained intron. Not counted in ClinVar's aggregate classification.

Dr. Peter K. Rogan Lab, Western University
No classification provided (evidence only). Condition: Malignant lymphoma, large B-cell, diffuse. Review status: no classification provided. Collection method: in vitro. Allele origin: not applicable. Functional consequence: retained intron. Not counted in ClinVar's aggregate classification.

Dr. Peter K. Rogan Lab, Western University
No classification provided (evidence only). Condition: Malignant lymphoma, large B-cell, diffuse. Review status: no classification provided. Collection method: in vitro. Allele origin: not applicable. Functional consequence: retained intron. Not counted in ClinVar's aggregate classification.

Dr. Peter K. Rogan Lab, Western University
No classification provided (evidence only). Condition: Hepatocellular carcinoma. Review status: no classification provided. Collection method: in vitro. Allele origin: not applicable. Functional consequence: retained intron. Not counted in ClinVar's aggregate classification.

Dr. Peter K. Rogan Lab, Western University
No classification provided (evidence only). Condition: Thymoma. Review status: no classification provided. Collection method: in vitro. Allele origin: not applicable. Functional consequence: retained intron. Not counted in ClinVar's aggregate classification.

Dr. Peter K. Rogan Lab, Western University
No classification provided (evidence only). Condition: Thymoma. Review status: no classification provided. Collection method: in vitro. Allele origin: not applicable. Functional consequence: retained intron. Not counted in ClinVar's aggregate classification.